The following is an entry in ClinVar:

ClinVar aggregate classification (germline): Uncertain significance (1 of 4 stars; one submission).

Submission:

Labcorp Genetics (formerly Invitae), Labcorp
Classification: Uncertain significance. Last evaluated: 2022-08-16. Review status: criteria provided, single submitter. Criteria: Invitae Variant Classification Sherloc (09022015). Collection method: clinical testing. Allele origin: germline.
Comment: This sequence change replaces asparagine, which is neutral and polar, with isoleucine, which is neutral and non-polar, at codon 187 of the HMOX1 protein (p.Asn187Ile). In summary, the available evidence is currently insufficient to determine the role of this variant in disease. Therefore, it has been classified as a Variant of Uncertain Significance. Algorithms developed to predict the effect of missense changes on protein structure and function (SIFT, PolyPhen-2, Align-GVGD) all suggest that this variant is likely to be disruptive. This variant has not been reported in the literature in individuals affected with HMOX1-related conditions. This variant is not present in population databases (gnomAD no frequency).

NM_002133.3(HMOX1):c.560A>T (p.Asn187Ile)

Gene: HMOX1 (heme oxygenase 1; plus strand). Cytogenetic location: 22q12.3.
Variant type: single nucleotide variant.
Coding change: c.560A>T on transcript NM_002133.3 (MANE Select); coding-DNA position 560, A replaced by T.
Protein change: p.Asn187Ile; replaces asparagine 187 with isoleucine.
Molecular consequence: missense variant.
Genome position (GRCh38, 1-based): chr22:35,387,100, A>T. VCF-style: chr22-35387100-A-T. GRCh37 (hg19) VCF-style: chr22-35783093-A-T.
Other names: short protein forms N187I.
Identifiers: ClinVar variation 1716547 (VCV001716547.5), dbSNP rs2517864505, ClinGen allele CA411353083.
Genomic context (GRCh38, chr22:35,387,100, plus strand): 5'-TCACCTTCCCCAACATTGCCAGTGCCACCAAGTTCAAGCAGCTCTACCGCTCCCGCATGA[A>T]CTCCCTGGAGATGACTCCCGCAGTCAGGCAGAGGGTGATAGAAGAGGCCAAGACTGCGTT-3'
Protein context (NP_002124.1, residues 177-197): KFKQLYRSRM[Asn187Ile]SLEMTPAVRQ